The following is an entry in ClinVar:

ClinVar aggregate classification (germline): Conflicting classifications of pathogenicity. Review status: criteria provided, conflicting classifications (1 of 4 stars). 3 submissions from 3 submitters: Uncertain significance (1); Likely benign (1). 1 of the submissions does not count toward it. Last evaluated 2025-05-07.

Conditions:
Hereditary cancer-predisposing syndrome. Also called: Neoplastic Syndromes, Hereditary; Tumor predisposition; Hereditary Cancer Syndrome; Hereditary neoplastic syndrome. Identifiers: Orphanet 140162, MedGen C0027672, MeSH D009386, MONDO:0015356.
Bloom syndrome (BLM). Also called: Bloom-Torre-Machacek syndrome. Identifiers: Orphanet 125, MedGen C0005859, MONDO:0008876, OMIM 210900.

Allele frequency attached by ClinVar (database versions not stated): TOPMed below 0.00001; gnomAD 0.00005.
gnomAD v4.1: 57 of 1,612,760 alleles (0.0035%); highest among the groups gnomAD compares: Non-Finnish European, 0.000085%; no homozygotes.

Submissions (3):

Labcorp Genetics (formerly Invitae), Labcorp
Classification: Uncertain significance for Bloom syndrome. Last evaluated: 2025-05-07. Review status: criteria provided, single submitter. Criteria: Invitae Variant Classification Sherloc (09022015). Collection method: clinical testing. Allele origin: germline.
Comment: This sequence change replaces valine, which is neutral and non-polar, with isoleucine, which is neutral and non-polar, at codon 286 of the BLM protein (p.Val286Ile). This variant is present in population databases (rs758301305, gnomAD 0.09%). This variant has not been reported in the literature in individuals affected with BLM-related conditions. ClinVar contains an entry for this variant (Variation ID: 1763889). Invitae Evidence Modeling of protein sequence and biophysical properties (such as structural, functional, and spatial information, amino acid conservation, physicochemical variation, residue mobility, and thermodynamic stability) indicates that this missense variant is not expected to disrupt BLM protein function with a negative predictive value of 80%. In summary, the available evidence is currently insufficient to determine the role of this variant in disease. Therefore, it has been classified as a Variant of Uncertain Significance.

Ambry Genetics
Classification: Likely benign for Hereditary cancer-predisposing syndrome. Last evaluated: 2023-11-22. Review status: criteria provided, single submitter. Criteria: Ambry Variant Classification Scheme 2023. Collection method: clinical testing. Allele origin: germline.

Natera, Inc.
Classification: Uncertain significance for Bloom syndrome. Last evaluated: 2025-03-24. Review status: no assertion criteria provided. Collection method: clinical testing. Allele origin: germline. Not counted in ClinVar's aggregate classification.

NM_000057.4(BLM):c.856G>A (p.Val286Ile)

Gene: BLM (BLM RecQ like helicase; plus strand). Cytogenetic location: 15q26.1.
Variant type: single nucleotide variant.
Coding change: c.856G>A on transcript NM_000057.4 (MANE Select); coding-DNA position 856, G replaced by A.
Protein change: p.Val286Ile; replaces valine 286 with isoleucine.
Molecular consequence: missense variant. On other transcripts: 5 prime UTR variant (1).
Genome position (GRCh38, 1-based): chr15:90,751,843, G>A. VCF-style: chr15-90751843-G-A. GRCh37 (hg19) VCF-style: chr15-91295073-G-A.
Other names: c.856G>A, p.Val286Ile (NM_001287246.2, NM_001287247.2); c.-436G>A (NM_001287248.2); c.856G>A (NM_000057.3); short protein forms V286I.
Identifiers: ClinVar variation 1763889 (VCV001763889.8), dbSNP rs758301305, ClinGen allele CA7738376.